The following is an entry in ClinVar:

NM_003923.3(FOXH1):c.863A>G (p.Asn288Ser)

Gene: FOXH1 (forkhead box H1; minus strand). Cytogenetic location: 8q24.3.
Variant type: single nucleotide variant.
Coding change: c.863A>G on transcript NM_003923.3 (MANE Select); coding-DNA position 863, A replaced by G.
Protein change: p.Asn288Ser; replaces asparagine 288 with serine.
Molecular consequence: missense variant.
Genome position (GRCh38, 1-based): chr8:144,474,473, T>C on the plus strand (A>G on the coding strand, the complement: FOXH1 is on the minus strand). VCF-style: chr8-144474473-T-C. GRCh37 (hg19) VCF-style: chr8-145699856-T-C.
Other names: short protein forms N288S.
Identifiers: ClinVar variation 3365713 (VCV003365713.1).

ClinVar aggregate classification (germline): Uncertain significance (1 of 4 stars; one submission).

Submission:

GeneDx
Classification: Uncertain significance. Last evaluated: 2023-12-15. Review status: criteria provided, single submitter. Criteria: GeneDx Variant Classification Process June 2021. Collection method: clinical testing. Allele origin: germline. Affected: yes.
Comment: Not observed at significant frequency in large population cohorts (gnomAD); In silico analysis supports that this missense variant does not alter protein structure/function; Has not been previously published as pathogenic or benign to our knowledge